The following is an entry in ClinVar:

ClinVar aggregate classification (germline): Likely benign (1 of 4 stars; one submission).

Conditions:
ADCY3-related disorder. Also called: ADCY3-related condition.

gnomAD v4.1: 7 of 1,613,838 alleles (0.00043%); highest among the groups gnomAD compares: Admixed American, 0.0017%; no homozygotes.

Submission:

PreventionGenetics, part of Exact Sciences
Classification: Likely benign for ADCY3-related condition. Last evaluated: 2025-04-15. Review status: criteria provided, single submitter. Criteria: ACMG Guidelines, 2015. Collection method: clinical testing. Allele origin: germline.
Comment: This variant is classified as likely benign based on ACMG/AMP sequence variant interpretation guidelines (Richards et al. 2015 PMID: 25741868, with internal and published modifications).

NM_004036.5(ADCY3):c.3406C>T (p.Leu1136=)

Genes: ADCY3 (adenylate cyclase 3; minus strand), CENPO (centromere protein O; plus strand). Cytogenetic location: 2p23.3.
Variant type: single nucleotide variant.
Coding change: c.3406C>T on transcript NM_004036.5 (MANE Select); coding-DNA position 3406, C replaced by T.
Protein change: p.Leu1136=; no amino-acid change (leucine 1136 retained).
Molecular consequence: synonymous variant. On other transcripts: 3 prime UTR variant (4), non-coding transcript variant (3).
Genome position (GRCh38, 1-based): chr2:24,819,961, G>A on the plus strand (C>T on the coding strand, the complement: ADCY3 is on the minus strand). VCF-style: chr2-24819961-G-A. GRCh37 (hg19) VCF-style: chr2-25042830-G-A.
Other names: c.3409C>T, p.Leu1137= (NM_001320613.2); c.3472C>T, p.Leu1158= (NM_001377128.1); c.3268C>T, p.Leu1090= (NM_001377129.1); c.*147C>T (NM_001377130.1); c.2683C>T, p.Leu895= (NM_001377131.1); c.3406C>T, p.Leu1136= (NM_001377132.1); c.*643G>A (NM_001199803.3, NM_001322101.2, NM_024322.4).
Identifiers: ClinVar variation 4983358 (VCV004983358.1).
Genomic context (GRCh38, chr2:24,819,961, plus strand): 5'-CCGGTTTGGACTGTTGCAGGCTCGAGGCCATTCAGGAGTTGTCCACCACCTGGTGGGGCA[G>A]TGTGACAGAGGGGCCATTGGGGAAGGTGGCTAGCTTATCCCGCCCCTTCAAGAAGAAGGT-3'
Protein context (NP_004027.2, residues 1126-1144): ATFPNGPSVT[Leu1136=]PHQVVDNS